The following is an entry in ClinVar:

NM_001353921.2(ARHGEF9):c.635G>T (p.Cys212Phe)

Gene: ARHGEF9 (Cdc42 guanine nucleotide exchange factor 9; minus strand). Cytogenetic location: Xq11.1.
Variant type: single nucleotide variant.
Coding change: c.635G>T on transcript NM_001353921.2 (MANE Select); coding-DNA position 635, G replaced by T.
Protein change: p.Cys212Phe; replaces cysteine 212 with phenylalanine.
Molecular consequence: missense variant.
Genome position (GRCh38, 1-based): chrX:63,678,520, C>A on the plus strand (G>T on the coding strand, the complement: ARHGEF9 is on the minus strand). VCF-style: chrX-63678520-C-A. GRCh37 (hg19) VCF-style: chrX-62898400-C-A.
Other names: c.434G>T, p.Cys145Phe (NM_001369040.1, NM_001353924.2, NM_001353926.2 and 1 more transcripts); c.308G>T, p.Cys103Phe (NM_001369042.1, NM_001173480.2); c.551G>T, p.Cys184Phe (NM_001369041.1, NM_001369043.1, NM_001369044.1 and 8 more transcripts); c.200G>T, p.Cys67Phe (NM_001369045.1); c.614G>T, p.Cys205Phe (NM_015185.3, NM_001353928.2, NM_001369030.1 and 2 more transcripts); c.455G>T, p.Cys152Phe (NM_001173479.2); c.635G>T, p.Cys212Phe (NM_001353922.2); c.653G>T, p.Cys218Phe (NM_001353923.1); short protein forms C184F, C67F, C103F, C145F, C218F, C152F, C205F, C212F.
Identifiers: ClinVar variation 3653315 (VCV003653315.2).

ClinVar aggregate classification (germline): Uncertain significance (1 of 4 stars; one submission).

Conditions:
Developmental and epileptic encephalopathy, 8 (DEE8). Also called: HYPEREKPLEXIA AND EPILEPSY. Identifiers: Orphanet 163985, Orphanet 2076, MedGen C1845102, MONDO:0010375, OMIM 300607.

Submission:

Labcorp Genetics (formerly Invitae), Labcorp
Classification: Uncertain significance for Developmental and epileptic encephalopathy, 8. Last evaluated: 2024-06-02. Review status: criteria provided, single submitter. Criteria: Invitae Variant Classification Sherloc (09022015). Collection method: clinical testing. Allele origin: germline.
Comment: This sequence change replaces cysteine, which is neutral and slightly polar, with phenylalanine, which is neutral and non-polar, at codon 205 of the ARHGEF9 protein (p.Cys205Phe). This variant is not present in population databases (gnomAD no frequency). This variant has not been reported in the literature in individuals affected with ARHGEF9-related conditions. Advanced modeling of protein sequence and biophysical properties (such as structural, functional, and spatial information, amino acid conservation, physicochemical variation, residue mobility, and thermodynamic stability) has been performed at Invitae for this missense variant, however the output from this modeling did not meet the statistical confidence thresholds required to predict the impact of this variant on ARHGEF9 protein function. In summary, the available evidence is currently insufficient to determine the role of this variant in disease. Therefore, it has been classified as a Variant of Uncertain Significance.